The following is an entry in ClinVar:

NM_022124.6(CDH23):c.592A>G (p.Thr198Ala)

Gene: CDH23 (cadherin related 23; plus strand). Cytogenetic location: 10q22.1.
Variant type: single nucleotide variant.
Coding change: c.592A>G on transcript NM_022124.6 (MANE Select); coding-DNA position 592, A replaced by G.
Protein change: p.Thr198Ala; replaces threonine 198 with alanine.
Molecular consequence: missense variant.
Genome position (GRCh38, 1-based): chr10:71,566,904, A>G. VCF-style: chr10-71566904-A-G. GRCh37 (hg19) VCF-style: chr10-73326661-A-G.
Other names: c.592A>G, p.Thr198Ala (NM_001171930.2, NM_001171931.2, NM_001171932.2 and 1 more transcripts); short protein forms T198A.
Identifiers: ClinVar variation 1954552 (VCV001954552.5), dbSNP rs2493464278, ClinGen allele CA377112234.

ClinVar aggregate classification (germline): Uncertain significance (1 of 4 stars; one submission).

Submission:

Labcorp Genetics (formerly Invitae), Labcorp
Classification: Uncertain significance. Last evaluated: 2025-09-08. Review status: criteria provided, single submitter. Criteria: Invitae Variant Classification Sherloc (09022015). Collection method: clinical testing. Allele origin: germline.
Comment: This sequence change replaces threonine, which is neutral and polar, with alanine, which is neutral and non-polar, at codon 198 of the CDH23 protein (p.Thr198Ala). This variant is not present in population databases (gnomAD no frequency). This variant has not been reported in the literature in individuals affected with CDH23-related conditions. ClinVar contains an entry for this variant (Variation ID: 1954552). Invitae Evidence Modeling of protein sequence and biophysical properties (such as structural, functional, and spatial information, amino acid conservation, physicochemical variation, residue mobility, and thermodynamic stability) has been performed for this missense variant. However, the output from this modeling did not meet the statistical confidence thresholds required to predict the impact of this variant on CDH23 protein function. In summary, the available evidence is currently insufficient to determine the role of this variant in disease. Therefore, it has been classified as a Variant of Uncertain Significance.